The following is an entry in ClinVar:

ClinVar aggregate classification (germline): Uncertain significance. Review status: criteria provided, multiple submitters, no conflicts (2 of 4 stars). 2 submissions from 2 submitters: Uncertain significance (2). Last evaluated 2024-08-05.

Conditions:
Cone-rod dystrophy 6 (CORD6). Also called: RETINAL CONE DYSTROPHY 2; Cone dystrophy progressive. Identifiers: Orphanet 1872, MedGen C1866293, MONDO:0011143, OMIM 601777.
Leber congenital amaurosis 1 (LCA1). Also called: AMAUROSIS CONGENITA OF LEBER I; Congenital absence of the rods and cones; Leber's congenital tapetoretinal degeneration; Leber's congenital tapetoretinal dysplasia; RETINAL BLINDNESS, CONGENITAL. Identifiers: Orphanet 65, MedGen C2931258, MONDO:0008764, OMIM 204000.

Submissions (2):

Labcorp Genetics (formerly Invitae), Labcorp
Classification: Uncertain significance for Leber congenital amaurosis 1; Cone-rod dystrophy 6. Last evaluated: 2024-08-05. Review status: criteria provided, single submitter. Criteria: Invitae Variant Classification Sherloc (09022015). Collection method: clinical testing. Allele origin: germline.
Comment: This sequence change replaces asparagine, which is neutral and polar, with serine, which is neutral and polar, at codon 809 of the GUCY2D protein (p.Asn809Ser). This variant is not present in population databases (gnomAD no frequency). This variant has not been reported in the literature in individuals affected with GUCY2D-related conditions. Advanced modeling of protein sequence and biophysical properties (such as structural, functional, and spatial information, amino acid conservation, physicochemical variation, residue mobility, and thermodynamic stability) performed at Invitae indicates that this missense variant is not expected to disrupt GUCY2D protein function with a negative predictive value of 80%. In summary, the available evidence is currently insufficient to determine the role of this variant in disease. Therefore, it has been classified as a Variant of Uncertain Significance.

Blueprint Genetics
Classification: Uncertain significance. Last evaluated: 2023-08-17. Review status: criteria provided, single submitter. Criteria: ACMG Guidelines, 2015. Collection method: clinical testing. Allele origin: germline.

NM_000180.4(GUCY2D):c.2426A>G (p.Asn809Ser)

Gene: GUCY2D (guanylate cyclase 2D, retinal; plus strand). Cytogenetic location: 17p13.1.
Variant type: single nucleotide variant.
Coding change: c.2426A>G on transcript NM_000180.4 (MANE Select); coding-DNA position 2426, A replaced by G.
Protein change: p.Asn809Ser; replaces asparagine 809 with serine.
Molecular consequence: missense variant.
Genome position (GRCh38, 1-based): chr17:8,014,614, A>G. VCF-style: chr17-8014614-A-G. GRCh37 (hg19) VCF-style: chr17-7917932-A-G.
Other names: short protein forms N809S.
Identifiers: ClinVar variation 3761833 (VCV003761833.3).